The following is an entry in ClinVar:

ClinVar aggregate classification (germline): Uncertain significance. Review status: criteria provided, multiple submitters, no conflicts (2 of 4 stars). 2 submissions from 2 submitters: Uncertain significance (2). Last evaluated 2025-05-15.

Conditions:
Autosomal recessive nonsyndromic hearing loss 28. Identifiers: Orphanet 90636, MedGen C1853276, MONDO:0012355, OMIM 609823.

Allele frequency attached by ClinVar (database versions not stated): gnomAD 0.00005; gnomAD exomes 0.00006; ESP Exome Variant Server 0.00008; TOPMed 0.00008.
gnomAD v4.1: 84 of 1,613,880 alleles (0.0052%); highest among the groups gnomAD compares: East Asian, 0.04%; no homozygotes.

Submissions (2):

GeneDx
Classification: Uncertain significance. Last evaluated: 2025-05-15. Review status: criteria provided, single submitter. Criteria: GeneDx Variant Classification Process June 2021. Collection method: clinical testing. Allele origin: germline. Affected: yes.
Comment: In silico analysis supports that this missense variant has a deleterious effect on protein structure/function; This variant is associated with the following publications: (PMID: 23967202)

Soonchunhyang University Bucheon Hospital, Soonchunhyang University Medical Center
Classification: Uncertain significance for Autosomal recessive nonsyndromic hearing loss 28. Last evaluated: 2016-03-18. Review status: criteria provided, single submitter. Criteria: ACMG Guidelines, 2015. Collection method: reference population. Allele origin: germline. Observed: 1 variant allele.

Literature cited by the submitters: PubMed 23967202 (cited by Soonchunhyang University Bucheon Hospital, Soonchunhyang University Medical Center).

NM_001039141.3(TRIOBP):c.6860G>A (p.Arg2287His)

Gene: TRIOBP (TRIO and F-actin binding protein; plus strand). Cytogenetic location: 22q13.1.
Variant type: single nucleotide variant.
Coding change: c.6860G>A on transcript NM_001039141.3 (MANE Select); coding-DNA position 6860, G replaced by A.
Protein change: p.Arg2287His; replaces arginine 2287 with histidine.
Molecular consequence: missense variant.
Genome position (GRCh38, 1-based): chr22:37,771,660, G>A. VCF-style: chr22-37771660-G-A. GRCh37 (hg19) VCF-style: chr22-38167667-G-A.
Other names: c.1721G>A, p.Arg574His (NM_007032.5); short protein forms R2287H, R574H.
Identifiers: ClinVar variation 225500 (VCV000225500.2), dbSNP rs370737996, ClinGen allele CA324112162.
Genomic context (GRCh38, chr22:37,771,660, plus strand): 5'-GGGTAGCTCTGGCTTCTGGCCCTGGGTCAGTCCAGCACCTATATCCCCAGGTGCTGCTTC[G>A]CGTAAAAGAAAACGAACTCCAGTACCTAAAGAAGGAGGTGCAGTGCCTCCGGGACGAGCT-3'
Protein context (NP_001034230.1, residues 2277-2297): RSSCELEVLL[Arg2287His]VKENELQYLK